The following is an entry in ClinVar:

NM_006206.6(PDGFRA):c.721G>A (p.Glu241Lys)

Gene: PDGFRA (platelet derived growth factor receptor alpha; plus strand). Cytogenetic location: 4q12.
Variant type: single nucleotide variant.
Coding change: c.721G>A on transcript NM_006206.6 (MANE Select); coding-DNA position 721, G replaced by A.
Protein change: p.Glu241Lys; replaces glutamic acid 241 with lysine.
Molecular consequence: missense variant.
Genome position (GRCh38, 1-based): chr4:54,265,011, G>A. VCF-style: chr4-54265011-G-A. GRCh37 (hg19) VCF-style: chr4-55131178-G-A.
Other names: c.721G>A, p.Glu241Lys (NM_001347827.2, NM_001347829.2); c.796G>A, p.Glu266Lys (NM_001347828.2); c.760G>A, p.Glu254Lys (NM_001347830.2); short protein forms E241K, E254K, E266K.
Identifiers: ClinVar variation 240358 (VCV000240358.9), dbSNP rs878854832, ClinGen allele CA10582234.
Genomic context (GRCh38, chr4:54,265,011, plus strand): 5'-CTTAAAACCGTGTATAAGTCAGGGGAAACGATTGTGGTCACCTGTGCTGTTTTTAACAAT[G>A]AGGTGGTTGACCTTCAATGGACTTACCCTGGAGAAGTGGTAGGTACCCTCAAAACGTGCA-3'
Protein context (NP_006197.1, residues 231-251): IVVTCAVFNN[Glu241Lys]VVDLQWTYPG

ClinVar aggregate classification (germline): Uncertain significance. Review status: criteria provided, multiple submitters, no conflicts (2 of 4 stars). 3 submissions from 3 submitters: Uncertain significance (3). Last evaluated 2025-12-10.

Conditions:
Polyps, multiple and recurrent inflammatory fibroid, gastrointestinal. Identifiers: MedGen C5193005, MONDO:0008285, OMIM 175510.
Hereditary cancer-predisposing syndrome. Also called: Neoplastic Syndromes, Hereditary; Hereditary neoplastic syndrome; Hereditary Cancer Syndrome; Tumor predisposition. Identifiers: Orphanet 140162, MedGen C0027672, MeSH D009386, MONDO:0015356.
Gastrointestinal stromal tumor. Also called: Gastrointestinal stromal tumor, somatic; Gastrointestinal stroma tumor. Identifiers: Orphanet 44890, MedGen C0238198, MeSH D046152, MONDO:0011719, OMIM 606764, HP:0100723.

Allele frequency attached by ClinVar (database versions not stated): gnomAD exomes below 0.00001; TOPMed below 0.00001.

Submissions (3):

Labcorp Genetics (formerly Invitae), Labcorp
Classification: Uncertain significance for Gastrointestinal stromal tumor. Last evaluated: 2025-12-10. Review status: criteria provided, single submitter. Criteria: Invitae Variant Classification Sherloc (09022015). Collection method: clinical testing. Allele origin: germline.
Comment: This sequence change replaces glutamic acid, which is acidic and polar, with lysine, which is basic and polar, at codon 241 of the PDGFRA protein (p.Glu241Lys). This variant is present in population databases (no rsID available, gnomAD 0.0009%). This variant has not been reported in the literature in individuals affected with PDGFRA-related conditions. ClinVar contains an entry for this variant (Variation ID: 240358). Invitae Evidence Modeling of protein sequence and biophysical properties (such as structural, functional, and spatial information, amino acid conservation, physicochemical variation, residue mobility, and thermodynamic stability) indicates that this missense variant is not expected to disrupt PDGFRA protein function with a negative predictive value of 80%. In summary, the available evidence is currently insufficient to determine the role of this variant in disease. Therefore, it has been classified as a Variant of Uncertain Significance.

Ambry Genetics
Classification: Uncertain significance for Hereditary cancer-predisposing syndrome. Last evaluated: 2025-07-06. Review status: criteria provided, single submitter. Criteria: Ambry Variant Classification Scheme 2023. Collection method: clinical testing. Allele origin: germline.
Comment: The p.E241K variant (also known as c.721G>A), located in coding exon 4 of the PDGFRA gene, results from a G to A substitution at nucleotide position 721. The glutamic acid at codon 241 is replaced by lysine, an amino acid with similar properties. This amino acid position is conserved. In addition, this alteration is predicted to be deleterious by in silico analysis. Based on the available evidence, the clinical significance of this variant remains unclear.

Baylor Genetics
Classification: Uncertain significance for Polyps, multiple and recurrent inflammatory fibroid, gastrointestinal. Last evaluated: 2023-12-29. Review status: criteria provided, single submitter. Criteria: ACMG Guidelines, 2015. Collection method: clinical testing. Allele origin: unknown.